The following is an entry in ClinVar:

NM_031935.3(HMCN1):c.10348G>A (p.Gly3450Ser)

Gene: HMCN1 (hemicentin 1; plus strand). Cytogenetic location: 1q31.1.
Variant type: single nucleotide variant.
Coding change: c.10348G>A on transcript NM_031935.3 (MANE Select); coding-DNA position 10348, G replaced by A.
Protein change: p.Gly3450Ser; replaces glycine 3450 with serine.
Molecular consequence: missense variant.
Genome position (GRCh38, 1-based): chr1:186,095,296, G>A. VCF-style: chr1-186095296-G-A. GRCh37 (hg19) VCF-style: chr1-186064428-G-A.
Other names: short protein forms G3450S.
Identifiers: ClinVar variation 2059675 (VCV002059675.4), dbSNP rs370347506, ClinGen allele CA1293697.
Genomic context (GRCh38, chr1:186,095,296, plus strand): 5'-TATGTAGCACCACCAAATATGGACAATTCAATGGGGACAGAGGAAATCACAGTTCTCAAA[G>A]GTAGTTCCACCTCTATGGCATGCATTACTGATGGAACCCCAGCTCCCAGTATGGCCTGGC-3'
Protein context (NP_114141.2, residues 3440-3460): MGTEEITVLK[Gly3450Ser]SSTSMACITD

ClinVar aggregate classification (germline): Uncertain significance (1 of 4 stars; one submission).

Allele frequency attached by ClinVar (database versions not stated): ExAC 0.00002; gnomAD 0.00003; TOPMed 0.00003; gnomAD exomes 0.00008; ESP Exome Variant Server 0.00015.
gnomAD v4.1: 119 of 1,613,632 alleles (0.0074%); highest among the groups gnomAD compares: Non-Finnish European, 0.0098%; no homozygotes.

Submission:

Labcorp Genetics (formerly Invitae), Labcorp
Classification: Uncertain significance. Last evaluated: 2025-12-22. Review status: criteria provided, single submitter. Criteria: Invitae Variant Classification Sherloc (09022015). Collection method: clinical testing. Allele origin: germline.
Comment: This sequence change replaces glycine, which is neutral and non-polar, with serine, which is neutral and polar, at codon 3450 of the HMCN1 protein (p.Gly3450Ser). This variant is present in population databases (rs370347506, gnomAD 0.006%). This variant has not been reported in the literature in individuals affected with HMCN1-related conditions. ClinVar contains an entry for this variant (Variation ID: 2059675). An algorithm developed to predict the effect of missense changes on protein structure and function (PolyPhen-2) suggests that this variant is likely to be disruptive. In summary, the available evidence is currently insufficient to determine the role of this variant in disease. Therefore, it has been classified as a Variant of Uncertain Significance.